The following is an entry in ClinVar:

NM_000179.3(MSH6):c.457+10A>C

Gene: MSH6 (mutS homolog 6; plus strand). Cytogenetic location: 2p16.3.
Variant type: single nucleotide variant.
Coding change: c.457+10A>C on transcript NM_000179.3 (MANE Select); 10 bases into the intron after coding-DNA position 457, A replaced by C.
Molecular consequence: intron variant.
Genome position (GRCh38, 1-based): chr2:47,791,133, A>C. VCF-style: chr2-47791133-A-C. GRCh37 (hg19) VCF-style: chr2-48018272-A-C.
Other names: c.-538+10A>C (NM_001406814.1); c.457+10A>C (NM_001406808.1, NM_001406800.1, NM_001406798.1 and 5 more transcripts); c.-280+10A>C (NM_001281493.2, NM_001406811.1, NM_001406829.1 and 1 more transcripts); c.-280+163A>C (NM_001406812.1); c.-68-4761A>C (NM_001406799.1, NM_001406806.1); c.-279-7478A>C (NM_001406816.1, NM_001406815.1); c.379+10A>C (NM_001406804.1); c.238-7478A>C (NM_001281492.2); and 6 more.
Identifiers: ClinVar variation 2827508 (VCV002827508.4), dbSNP rs2104113475, ClinGen allele CA2739274437.

ClinVar aggregate classification (germline): Likely benign. Review status: criteria provided, multiple submitters, no conflicts (2 of 4 stars). 2 submissions from 2 submitters: Likely benign (2). Last evaluated 2024-12-18.

Conditions:
Hereditary nonpolyposis colorectal neoplasms. Identifiers: MedGen C0009405, MeSH D003123.
Lynch syndrome 5 (LYNCH5). Also called: Hereditary non-polyposis colorectal cancer, type 5; Colorectal cancer, hereditary nonpolyposis, type 5. Identifiers: Orphanet 144, MedGen C1833477, MONDO:0013710, OMIM 614350. Disease mechanism: loss of function.

Submissions (2):

Myriad Genetics, Inc.
Classification: Likely benign for Lynch syndrome 5. Last evaluated: 2024-12-18. Review status: criteria provided, single submitter. Criteria: Myriad Autosomal Dominant, Autosomal Recessive and X-Linked Classification Criteria (2023). Collection method: clinical testing. Allele origin: unknown.
Comment: This variant is considered likely benign. This variant is intronic and is not expected to impact mRNA splicing.

Labcorp Genetics (formerly Invitae), Labcorp
Classification: Likely benign for Hereditary nonpolyposis colorectal neoplasms. Last evaluated: 2023-01-10. Review status: criteria provided, single submitter. Criteria: Invitae Variant Classification Sherloc (09022015). Collection method: clinical testing. Allele origin: germline.